The following is an entry in ClinVar:

NM_005546.4(ITK):c.1742G>A (p.Arg581Gln)

Gene: ITK (IL2 inducible T cell kinase; plus strand). Cytogenetic location: 5q33.3.
Variant type: single nucleotide variant.
Coding change: c.1742G>A on transcript NM_005546.4 (MANE Select); coding-DNA position 1742, G replaced by A.
Protein change: p.Arg581Gln; replaces arginine 581 with glutamine.
Molecular consequence: missense variant.
Genome position (GRCh38, 1-based): chr5:157,248,958, G>A. VCF-style: chr5-157248958-G-A. GRCh37 (hg19) VCF-style: chr5-156675968-G-A.
Other names: short protein forms R581Q.
Identifiers: ClinVar variation 846840 (VCV000846840.7), dbSNP rs548875154, ClinGen allele CA3533182.

ClinVar aggregate classification (germline): Uncertain significance (1 of 4 stars; one submission).

Conditions:
Lymphoproliferative syndrome 1 (LPFS1). Identifiers: Orphanet 238505, Orphanet 538963, MedGen C3552634, MONDO:0013081, OMIM 613011.

Allele frequency attached by ClinVar (database versions not stated): gnomAD 0.00005; TOPMed 0.00005; gnomAD exomes 0.00009 and 0.00010; ExAC 0.00012; 1000 Genomes Project 0.00020; 1000 Genomes Project 30x 0.00031.

Submission:

Labcorp Genetics (formerly Invitae), Labcorp
Classification: Uncertain significance for Lymphoproliferative syndrome 1. Last evaluated: 2022-07-19. Review status: criteria provided, single submitter. Criteria: Invitae Variant Classification Sherloc (09022015). Collection method: clinical testing. Allele origin: germline.
Comment: This sequence change replaces arginine, which is basic and polar, with glutamine, which is neutral and polar, at codon 581 of the ITK protein (p.Arg581Gln). This variant is present in population databases (rs548875154, gnomAD 0.02%). This missense change has been observed in individual(s) with hemophagocytic lymphohistiocytosis (PMID: 32150605). ClinVar contains an entry for this variant (Variation ID: 846840). Advanced modeling of protein sequence and biophysical properties (such as structural, functional, and spatial information, amino acid conservation, physicochemical variation, residue mobility, and thermodynamic stability) performed at Invitae indicates that this missense variant is not expected to disrupt ITK protein function. In summary, the available evidence is currently insufficient to determine the role of this variant in disease. Therefore, it has been classified as a Variant of Uncertain Significance.

Literature cited by the submitters: PubMed 32150605.